The following is an entry in ClinVar:

ClinVar aggregate classification (germline): Uncertain significance (1 of 4 stars; one submission).

Conditions:
Perrault syndrome. Also called: Gonadal dysgenesis with auditory dysfunction, autosomal recessive inheritance. Identifiers: Orphanet 2855, MedGen C0685838, MONDO:0017312.
Bifunctional peroxisomal enzyme deficiency (DBIF). Also called: DBP DEFICIENCY; PBFE DEFICIENCY; D-bifunctional protein deficiency. Identifiers: Orphanet 300, MedGen C0342870, MONDO:0009855, OMIM 261515. Disease mechanism: loss of function.

Allele frequency attached by ClinVar (database versions not stated): gnomAD exomes below 0.00001; ExAC 0.00001; TOPMed 0.00001; gnomAD 0.00002.
gnomAD v4.1: 6 of 1,611,728 alleles (0.00037%); highest among the groups gnomAD compares: Non-Finnish European, 0.00051%; no homozygotes.

Submission:

Labcorp Genetics (formerly Invitae), Labcorp
Classification: Uncertain significance for Perrault syndrome; Bifunctional peroxisomal enzyme deficiency. Last evaluated: 2022-07-19. Review status: criteria provided, single submitter. Criteria: Invitae Variant Classification Sherloc (09022015). Collection method: clinical testing. Allele origin: germline.
Comment: This sequence change replaces glycine, which is neutral and non-polar, with serine, which is neutral and polar, at codon 126 of the HSD17B4 protein (p.Gly126Ser). This variant is present in population databases (rs769066826, gnomAD 0.002%). This variant has not been reported in the literature in individuals affected with HSD17B4-related conditions. ClinVar contains an entry for this variant (Variation ID: 1509422). Advanced modeling of protein sequence and biophysical properties (such as structural, functional, and spatial information, amino acid conservation, physicochemical variation, residue mobility, and thermodynamic stability) performed at Invitae indicates that this missense variant is expected to disrupt HSD17B4 protein function. In summary, the available evidence is currently insufficient to determine the role of this variant in disease. Therefore, it has been classified as a Variant of Uncertain Significance.

NM_000414.4(HSD17B4):c.376G>A (p.Gly126Ser)

Gene: HSD17B4 (hydroxysteroid 17-beta dehydrogenase 4; plus strand). Cytogenetic location: 5q23.1.
Variant type: single nucleotide variant.
Coding change: c.376G>A on transcript NM_000414.4 (MANE Select); coding-DNA position 376, G replaced by A.
Protein change: p.Gly126Ser; replaces glycine 126 with serine.
Molecular consequence: missense variant. On other transcripts: 5 prime UTR variant (5), non-coding transcript variant (2).
Genome position (GRCh38, 1-based): chr5:119,477,443, G>A. VCF-style: chr5-119477443-G-A. GRCh37 (hg19) VCF-style: chr5-118813138-G-A.
Other names: c.451G>A, p.Gly151Ser (NM_001199291.3); c.322G>A, p.Gly108Ser (NM_001199292.2); c.304G>A, p.Gly102Ser (NM_001292027.2); c.-36G>A (NM_001292028.2, NM_001374501.1, NM_001374502.1 and 1 more transcripts); c.376G>A, p.Gly126Ser (NM_001374497.1, NM_001374498.1); c.49G>A, p.Gly17Ser (NM_001374499.1); c.-163G>A (NM_001374500.1); short protein forms G102S, G108S, G126S, G151S, G17S.
Identifiers: ClinVar variation 1509422 (VCV001509422.5), dbSNP rs769066826, ClinGen allele CA3381816.